The following is an entry in ClinVar:

NM_207352.4(CYP4V2):c.377T>G (p.Phe126Cys)

Gene: CYP4V2 (cytochrome P450 family 4 subfamily V member 2; plus strand). Cytogenetic location: 4q35.1.
Variant type: single nucleotide variant.
Coding change: c.377T>G on transcript NM_207352.4 (MANE Select); coding-DNA position 377, T replaced by G.
Protein change: p.Phe126Cys; replaces phenylalanine 126 with cysteine.
Molecular consequence: missense variant.
Genome position (GRCh38, 1-based): chr4:186,196,052, T>G. VCF-style: chr4-186196052-T-G. GRCh37 (hg19) VCF-style: chr4-187117206-T-G.
Other names: p.(Phe126Cys); short protein forms F126C.
Identifiers: ClinVar variation 3901116 (VCV003901116.1).

ClinVar aggregate classification (germline): Uncertain significance (0 of 4 stars; one submission).

Conditions:
Bietti crystalline corneoretinal dystrophy (BCD). Also called: Bietti Crystalline Dystrophy; BIETTI TAPETORETINAL DEGENERATION WITH MARGINAL CORNEAL DYSTROPHY. Identifiers: Orphanet 41751, MedGen C1859486, MONDO:0008865, OMIM 210370.

Submission:

Medical Genetics, Faculty of Medicine, Dokuz Eylül University
Classification: Uncertain significance for Bietti crystalline corneoretinal dystrophy. Last evaluated: 2025-06-03. Review status: no assertion criteria provided. Collection method: clinical testing. Allele origin: germline. Inheritance: Autosomal recessive inheritance. Affected: yes. Observed: 1 homozygote.
Comment: This variant has not been previously reported in the literature and public databases (PM2). In-silico tools predict a damaging effect of the variant on protein function (PP3). There is no functional evidence for this change. Therefore, the variant has been classified as a variant of uncertain significance.